The following is an entry in ClinVar:

NM_001130823.3(DNMT1):c.1972G>C (p.Glu658Gln)

Gene: DNMT1 (DNA methyltransferase 1; minus strand). Cytogenetic location: 19p13.2.
Variant type: single nucleotide variant.
Coding change: c.1972G>C on transcript NM_001130823.3 (MANE Select); coding-DNA position 1972, G replaced by C.
Protein change: p.Glu658Gln; replaces glutamic acid 658 with glutamine.
Molecular consequence: missense variant.
Genome position (GRCh38, 1-based): chr19:10,154,340, C>G on the plus strand (G>C on the coding strand, the complement: DNMT1 is on the minus strand). VCF-style: chr19-10154340-C-G. GRCh37 (hg19) VCF-style: chr19-10265016-C-G.
Other names: c.1924G>C, p.Glu642Gln (NM_001318730.2, NM_001379.4); c.1609G>C, p.Glu537Gln (NM_001318731.2); short protein forms E537Q, E642Q, E658Q.
Identifiers: ClinVar variation 1308218 (VCV001308218.2), dbSNP rs756254318, ClinGen allele CA9188164.

ClinVar aggregate classification (germline): Uncertain significance (1 of 4 stars; one submission).

Allele frequency attached by ClinVar (database versions not stated): TOPMed below 0.00001; ExAC 0.00001; gnomAD exomes 0.00001.
gnomAD v4.1: 2 of 1,614,246 alleles (0.00012%); highest among the groups gnomAD compares: Admixed American, 0.0033%; no homozygotes.

Submission:

GeneDx
Classification: Uncertain significance. Last evaluated: 2019-03-19. Review status: criteria provided, single submitter. Criteria: GeneDx Variant Classification Process June 2021. Collection method: clinical testing. Allele origin: germline. Affected: yes.
Comment: In silico analysis, which includes protein predictors and evolutionary conservation, supports that this variant does not alter protein structure/function; Has not been previously published as pathogenic or benign to our knowledge